The following is an entry in ClinVar:

NM_001122752.2(SERPINI1):c.61T>C (p.Phe21Leu)

Gene: SERPINI1 (serpin family I member 1; plus strand). Cytogenetic location: 3q26.1.
Variant type: single nucleotide variant.
Coding change: c.61T>C on transcript NM_001122752.2 (MANE Select); coding-DNA position 61, T replaced by C.
Protein change: p.Phe21Leu; replaces phenylalanine 21 with leucine.
Molecular consequence: missense variant.
Genome position (GRCh38, 1-based): chr3:167,789,189, T>C. VCF-style: chr3-167789189-T-C. GRCh37 (hg19) VCF-style: chr3-167506977-T-C.
Other names: c.61T>C (NM_005025.4); c.61T>C, p.Phe21Leu (NM_005025.5); short protein forms F21L.
Identifiers: ClinVar variation 1515744 (VCV001515744.9), dbSNP rs545345009, ClinGen allele CA2694721.

ClinVar aggregate classification (germline): Uncertain significance. Review status: criteria provided, multiple submitters, no conflicts (2 of 4 stars). 2 submissions from 2 submitters: Uncertain significance (2). Last evaluated 2024-02-17.

Conditions:
Inborn genetic diseases. Identifiers: MedGen C0950123, MeSH D030342.
Familial encephalopathy with neuroserpin inclusion bodies. Also called: ENCEPHALOPATHY, FAMILIAL, WITH COLLINS BODIES. Identifiers: Orphanet 85110, MedGen C1858680, MONDO:0011412, OMIM 604218.

Allele frequency attached by ClinVar (database versions not stated): ExAC 0.00001; gnomAD exomes 0.00001; TOPMed 0.00002; gnomAD 0.00003; 1000 Genomes Project 30x 0.00016; 1000 Genomes Project 0.00020.

Submissions (2):

Labcorp Genetics (formerly Invitae), Labcorp
Classification: Uncertain significance for Familial encephalopathy with neuroserpin inclusion bodies. Last evaluated: 2024-02-17. Review status: criteria provided, single submitter. Criteria: Invitae Variant Classification Sherloc (09022015). Collection method: clinical testing. Allele origin: germline.
Comment: This sequence change replaces phenylalanine, which is neutral and non-polar, with leucine, which is neutral and non-polar, at codon 21 of the SERPINI1 protein (p.Phe21Leu). This variant is present in population databases (rs545345009, gnomAD 0.02%). This variant has not been reported in the literature in individuals affected with SERPINI1-related conditions. ClinVar contains an entry for this variant (Variation ID: 1515744). Advanced modeling of protein sequence and biophysical properties (such as structural, functional, and spatial information, amino acid conservation, physicochemical variation, residue mobility, and thermodynamic stability) performed at Invitae indicates that this missense variant is not expected to disrupt SERPINI1 protein function with a negative predictive value of 80%. In summary, the available evidence is currently insufficient to determine the role of this variant in disease. Therefore, it has been classified as a Variant of Uncertain Significance.

Ambry Genetics
Classification: Uncertain significance for Inborn genetic diseases. Last evaluated: 2021-10-01. Review status: criteria provided, single submitter. Criteria: Ambry Variant Classification Scheme 2023. Collection method: clinical testing. Allele origin: germline.